The following is an entry in ClinVar:

ClinVar aggregate classification (germline): Uncertain significance (1 of 4 stars; one submission).

Allele frequency attached by ClinVar (database versions not stated): gnomAD exomes below 0.00001; TOPMed 0.00001.
gnomAD v4.1: 2 of 1,612,724 alleles (0.00012%); highest among the groups gnomAD compares: Non-Finnish European, 0.00017%; no homozygotes.

Submission:

Labcorp Genetics (formerly Invitae), Labcorp
Classification: Uncertain significance. Last evaluated: 2024-11-05. Review status: criteria provided, single submitter. Criteria: Invitae Variant Classification Sherloc (09022015). Collection method: clinical testing. Allele origin: germline.
Comment: This sequence change replaces glutamine, which is neutral and polar, with glutamic acid, which is acidic and polar, at codon 588 of the FGFR3 protein (p.Gln588Glu). This variant is not present in population databases (gnomAD no frequency). This variant has not been reported in the literature in individuals affected with FGFR3-related conditions. ClinVar contains an entry for this variant (Variation ID: 1961836). Invitae Evidence Modeling of protein sequence and biophysical properties (such as structural, functional, and spatial information, amino acid conservation, physicochemical variation, residue mobility, and thermodynamic stability) has been performed for this missense variant. However, the output from this modeling did not meet the statistical confidence thresholds required to predict the impact of this variant on FGFR3 protein function. In summary, the available evidence is currently insufficient to determine the role of this variant in disease. Therefore, it has been classified as a Variant of Uncertain Significance.

NM_000142.5(FGFR3):c.1762C>G (p.Gln588Glu)

Gene: FGFR3 (fibroblast growth factor receptor 3; plus strand). Cytogenetic location: 4p16.3.
Variant type: single nucleotide variant.
Coding change: c.1762C>G on transcript NM_000142.5 (MANE Select); coding-DNA position 1762, C replaced by G.
Protein change: p.Gln588Glu; replaces glutamine 588 with glutamic acid.
Molecular consequence: missense variant. On other transcripts: non-coding transcript variant (1).
Genome position (GRCh38, 1-based): chr4:1,805,866, C>G. VCF-style: chr4-1805866-C-G. GRCh37 (hg19) VCF-style: chr4-1807593-C-G.
Other names: c.1768C>G, p.Gln590Glu (NM_001163213.2); c.1765C>G, p.Gln589Glu (NM_001354809.2, NM_001354810.2); c.1426C>G, p.Gln476Glu (NM_022965.4); short protein forms Q476E, Q588E, Q589E, Q590E.
Identifiers: ClinVar variation 1961836 (VCV001961836.5), dbSNP rs1488093518, ClinGen allele CA355981873.